The following is an entry in ClinVar:

ClinVar aggregate classification (germline): Benign. Review status: criteria provided, multiple submitters, no conflicts (2 of 4 stars). 3 submissions from 3 submitters: Benign (2). 1 of the submissions does not count toward it. Last evaluated 2018-08-14.

Conditions:
MUC16-related disorder. Also called: MUC16-related condition.

Allele frequency attached by ClinVar (database versions not stated): gnomAD exomes 0.00571 and 0.00237; ESP Exome Variant Server 0.02298; gnomAD 0.02329 and 0.02178; 1000 Genomes Project 30x 0.02436; ExAC 0.00689; 1000 Genomes Project 0.02256; TOPMed 0.02468.

Submissions (3):

Labcorp Genetics (formerly Invitae), Labcorp
Classification: Benign. Last evaluated: 2018-08-14. Review status: criteria provided, single submitter. Criteria: Invitae Variant Classification Sherloc (09022015). Collection method: clinical testing. Allele origin: germline.

Breakthrough Genomics
Classification: Benign. Review status: criteria provided, single submitter. Criteria: ACMG Guidelines, 2015. Collection method: not provided. Allele origin: germline. Inheritance: Unknown mechanism. Affected: yes.

PreventionGenetics, part of Exact Sciences
Classification: Benign for MUC16-related condition. Last evaluated: 2019-10-01. Review status: no assertion criteria provided. Collection method: clinical testing. Allele origin: germline. Not counted in ClinVar's aggregate classification.
Comment: This variant is classified as benign based on ACMG/AMP sequence variant interpretation guidelines (Richards et al. 2015 PMID: 25741868, with internal and published modifications).

NM_001401501.2(MUC16):c.5666A>G (p.His1889Arg)

Gene: MUC16 (mucin 16, cell surface associated; minus strand). Cytogenetic location: 19p13.2.
Variant type: single nucleotide variant.
Coding change: c.5666A>G on transcript NM_001401501.2 (MANE Select); coding-DNA position 5666, A replaced by G.
Protein change: p.His1889Arg; replaces histidine 1889 with arginine.
Molecular consequence: missense variant.
Genome position (GRCh38, 1-based): chr19:8,975,593, T>C on the plus strand (A>G on the coding strand, the complement: MUC16 is on the minus strand). VCF-style: chr19-8975593-T-C. GRCh37 (hg19) VCF-style: chr19-9086269-T-C.
Other names: c.6092A>G, p.His2031Arg (NM_001414686.1); c.5546A>G, p.His1849Arg (NM_001414687.1, NM_024690.2); short protein forms H1849R, H1889R, H2031R.
Identifiers: ClinVar variation 781432 (VCV000781432.6), dbSNP rs77846926, ClinGen allele CA9172611.